The following is an entry in ClinVar:

ClinVar aggregate classification (germline): Pathogenic (1 of 4 stars; one submission).

Conditions:
Bardet-Biedl syndrome 1 (BBS1). Identifiers: MedGen C2936862, MONDO:0008854, OMIM 209900. Disease mechanism: loss of function.

Submission:

Myriad Genetics, Inc.
Classification: Pathogenic for Bardet-Biedl syndrome 1. Last evaluated: 2023-10-25. Review status: criteria provided, single submitter. Criteria: Myriad Autosomal Dominant, Autosomal Recessive and X-Linked Classification Criteria (2023). Collection method: clinical testing. Allele origin: unknown.
Comment: NM_024649.4(BBS1):c.690_697del8ins4(D232Pfs*7) is expected to be pathogenic in the context of Bardet-Biedl syndrome, BBS1-related. This variant is predicted to lead to an abnormal or absent protein product due to the creation of a premature termination codon in BBS1, a gene where loss-of-function variants are known to be pathogenic. Please note: this variant was assessed in the context of healthy population screening.

NM_024649.5(BBS1):c.690_697delinsTCTT (p.Asp232fs)

Gene: BBS1 (Bardet-Biedl syndrome 1; plus strand). Cytogenetic location: 11q13.2.
Variant type: Indel.
Coding change: c.690_697delinsTCTT on transcript NM_024649.5 (MANE Select); coding-DNA positions 690 to 697, GCTTGACC replaced by TCTT.
Protein change: p.Asp232fs; shifts the reading frame from aspartic acid 232.
Molecular consequence: frameshift variant.
Genome position (GRCh38, 1-based): chr11:66,519,715-66,519,722, GCTTGACC replaced by TCTT. VCF-style: chr11-66519715-GCTTGACC-TCTT. GRCh37 (hg19) VCF-style: chr11-66287186-GCTTGACC-TCTT.
Other names: short protein forms D232fs.
Identifiers: ClinVar variation 5012428 (VCV005012428.1).
Genomic context (GRCh38, chr11:66,519,715, plus strand): 5'-GGCTGACGAGGATGCTGTGTCTTGCCTGGTGCTGGGCACCGAGAACAAGGAGCTCCTGGT[GCTTGACC>TCTT]CCGAGGCCTTCACCATTTTAGCCAAGGTCAGCGTCAGGTCTGGCCCTGGGCCCGCTGGAG-3'